The following is an entry in ClinVar:

NM_000136.3(FANCC):c.1096C>T (p.Gln366Ter)

Genes: AOPEP (aminopeptidase O (putative); plus strand), FANCC (FA complementation group C; minus strand). Cytogenetic location: 9q22.32.
Variant type: single nucleotide variant.
Coding change: c.1096C>T on transcript NM_000136.3 (MANE Select); coding-DNA position 1096, C replaced by T.
Protein change: p.Gln366Ter; replaces glutamine 366 with a stop codon.
Molecular consequence: nonsense.
Genome position (GRCh38, 1-based): chr9:95,114,687, G>A on the plus strand (C>T on the coding strand, the complement: FANCC is on the minus strand). VCF-style: chr9-95114687-G-A. GRCh37 (hg19) VCF-style: chr9-97876969-G-A.
Other names: c.1096C>T, p.Gln366Ter (NM_001243743.2, NM_001243744.2); short protein forms Q366*.
Identifiers: ClinVar variation 3597810 (VCV003597810.2).

ClinVar aggregate classification (germline): Likely pathogenic. Review status: criteria provided, multiple submitters, no conflicts (2 of 4 stars). 2 submissions from 2 submitters: Likely pathogenic (2). Last evaluated 2025-12-11.

Conditions:
Fanconi anemia (FA). Also called: Fanconi's anemia. Identifiers: Orphanet 84, MedGen C0015625, MeSH D005199, MONDO:0019391.
Fanconi anemia complementation group C (FANCC). Also called: FANCONI PANCYTOPENIA, TYPE 3; FACC; FANCC-Related Fanconi Anemia; Fanconi anemia, group C. Identifiers: Orphanet 84, MedGen C3468041, MONDO:0009213, OMIM 227645.

Submissions (2):

Natera, Inc.
Classification: Likely pathogenic for Fanconi anemia. Last evaluated: 2025-12-11. Review status: criteria provided, single submitter. Criteria: Natera Variant Classification Schema (03/2026). Collection method: clinical testing. Allele origin: germline.
Comment: The c.1096C>T variant in FANCC is a nonsense variant predicted to introduce a stop codon at amino acid 366. This variant is expected to result in nonsense mediated decay, truncation, or a dysfunctional protein product. This variant is rare in the general population with a frequency below the threshold expected for the associated phenotype(s). Given the available evidence, this variant is classified as Likely Pathogenic.

Fulgent Genetics
Classification: Likely pathogenic for Fanconi anemia complementation group C. Last evaluated: 2024-06-07. Review status: criteria provided, single submitter. Criteria: ACMG Guidelines, 2015. Collection method: clinical testing. Allele origin: germline.